The following is an entry in ClinVar:

ClinVar aggregate classification (germline): Likely benign (0 of 4 stars; one submission).

Conditions:
B3GALNT1-related disorder. Also called: B3GALNT1-related condition.

Allele frequency attached by ClinVar (database versions not stated): ExAC 0.00034; 1000 Genomes Project 0.00260; 1000 Genomes Project 30x 0.00265.
gnomAD v4.1: 618 of 1,289,898 alleles (0.048%); highest among the groups gnomAD compares: African/African-American, 0.83%; no homozygotes.

Submission:

PreventionGenetics, part of Exact Sciences
Classification: Likely benign for B3GALNT1-related condition. Last evaluated: 2019-03-22. Review status: no assertion criteria provided. Collection method: clinical testing. Allele origin: germline.
Comment: This variant is classified as likely benign based on ACMG/AMP sequence variant interpretation guidelines (Richards et al. 2015 PMID: 25741868, with internal and published modifications).

NM_003781.4(B3GALNT1):c.-109C>T

Gene: B3GALNT1 (beta-1,3-N-acetylgalactosaminyltransferase 1 (Globoside blood group); minus strand). Cytogenetic location: 3q26.1.
Variant type: single nucleotide variant.
Coding change: c.-109C>T on transcript NM_003781.4 (MANE Select); 109 bases upstream of the start codon, C replaced by T.
Molecular consequence: 5 prime UTR variant. On other transcripts: missense variant (2), intron variant (8).
Genome position (GRCh38, 1-based): chr3:161,101,213, G>A on the plus strand (C>T on the coding strand, the complement: B3GALNT1 is on the minus strand). VCF-style: chr3-161101213-G-A. GRCh37 (hg19) VCF-style: chr3-160819001-G-A.
Other names: c.-228C>T (NM_001038628.2, NM_001349137.2, NM_001349140.2 and 6 more transcripts); c.-109C>T (NM_001349130.2, NM_001349131.2, NM_001349132.2 and 15 more transcripts); c.-207C>T (NM_001349133.2); c.133C>T, p.Arg45Trp (NM_001349162.2, NM_001349163.2); c.-35+2214C>T (NM_001349142.2, NM_033168.3, NM_001349158.2); c.-154+2214C>T (NM_001349141.2, NM_001349155.2); c.-35+1900C>T (NM_001349136.2, NM_001349157.2); c.-154+1900C>T (NM_001349149.2); short protein forms R45W.
Identifiers: ClinVar variation 3038902 (VCV003038902.2), dbSNP rs34798602, ClinGen allele CA2688304.
Genomic context (GRCh38, chr3:161,101,213, plus strand): 5'-TGAGTAGTCGGAGAGCACCACGTGATAGAGCAGCCAGCGGGAAGAGCCAACAGGTCAACC[G>A]GGTCCAGGGAGCTAAGAAAACTGGAGCAGAGCAAAGATCACAAAGTCAGGCAGAACAGCA-3'